The following is an entry in ClinVar:

NM_178857.6(RP1L1):c.313T>C (p.Ser105Pro)

Gene: RP1L1 (RP1 like 1). Cytogenetic location: 8p23.1.
Variant type: single nucleotide variant.
Coding change: c.313T>C on transcript NM_178857.6 (MANE Select); coding-DNA position 313, T replaced by C.
Protein change: p.Ser105Pro; replaces serine 105 with proline.
Molecular consequence: missense variant.
Genome position (GRCh38, 1-based): chr8:10,622,889, A>G on the plus strand (T>C on the coding strand, the complement: RP1L1 is on the minus strand). VCF-style: chr8-10622889-A-G. GRCh37 (hg19) VCF-style: chr8-10480399-A-G.
Other names: c.313T>C (NM_178857.5); short protein forms S105P.
Identifiers: ClinVar variation 1984843 (VCV001984843.5), dbSNP rs765222635, ClinGen allele CA4625765.

ClinVar aggregate classification (germline): Uncertain significance. Review status: criteria provided, multiple submitters, no conflicts (2 of 4 stars). 2 submissions from 2 submitters: Uncertain significance (2). Last evaluated 2025-02-14.

Conditions:
Inborn genetic diseases. Identifiers: MedGen C0950123, MeSH D030342.

Allele frequency attached by ClinVar (database versions not stated): gnomAD exomes below 0.00001; ExAC 0.00001.
gnomAD v4.1: 8 of 1,613,692 alleles (0.0005%); highest among the groups gnomAD compares: South Asian, 0.0022%; no homozygotes.

Submissions (2):

Labcorp Genetics (formerly Invitae), Labcorp
Classification: Uncertain significance. Last evaluated: 2025-02-14. Review status: criteria provided, single submitter. Criteria: Invitae Variant Classification Sherloc (09022015). Collection method: clinical testing. Allele origin: germline.
Comment: This sequence change replaces serine, which is neutral and polar, with proline, which is neutral and non-polar, at codon 105 of the RP1L1 protein (p.Ser105Pro). This variant is present in population databases (rs765222635, gnomAD 0.003%). This variant has not been reported in the literature in individuals affected with RP1L1-related conditions. ClinVar contains an entry for this variant (Variation ID: 1984843). Invitae Evidence Modeling of protein sequence and biophysical properties (such as structural, functional, and spatial information, amino acid conservation, physicochemical variation, residue mobility, and thermodynamic stability) has been performed for this missense variant. However, the output from this modeling did not meet the statistical confidence thresholds required to predict the impact of this variant on RP1L1 protein function. In summary, the available evidence is currently insufficient to determine the role of this variant in disease. Therefore, it has been classified as a Variant of Uncertain Significance.

Ambry Genetics
Classification: Uncertain significance for Inborn genetic diseases. Last evaluated: 2024-06-30. Review status: criteria provided, single submitter. Criteria: Ambry Variant Classification Scheme 2023. Collection method: clinical testing. Allele origin: germline.